The following is an entry in ClinVar:

NM_001429.4(EP300):c.6493G>A (p.Ala2165Thr)

Gene: EP300 (EP300 lysine acetyltransferase; plus strand). Cytogenetic location: 22q13.2.
Variant type: single nucleotide variant.
Coding change: c.6493G>A on transcript NM_001429.4 (MANE Select); coding-DNA position 6493, G replaced by A.
Protein change: p.Ala2165Thr; replaces alanine 2165 with threonine.
Molecular consequence: missense variant.
Genome position (GRCh38, 1-based): chr22:41,178,204, G>A. VCF-style: chr22-41178204-G-A. GRCh37 (hg19) VCF-style: chr22-41574208-G-A.
Other names: c.6415G>A, p.Ala2139Thr (NM_001362843.2); short protein forms A2139T, A2165T.
Identifiers: ClinVar variation 4995753 (VCV004995753.1).

ClinVar aggregate classification (germline): Uncertain significance (1 of 4 stars; one submission).

Conditions:
EP300-related disorder. Also called: EP300-related condition; EP300-related disorders.

gnomAD v4.1: 1 of 1,613,840 alleles (0.000062%); highest among the groups gnomAD compares: Non-Finnish European, 0.000085%; no homozygotes.

Submission:

PreventionGenetics, part of Exact Sciences
Classification: Uncertain significance for EP300-related condition. Last evaluated: 2026-08-06. Review status: criteria provided, single submitter. Criteria: ACMG Guidelines, 2015. Collection method: clinical testing. Allele origin: germline.
Comment: The EP300 c.6493G>A variant is predicted to result in the amino acid substitution p.Ala2165Thr. To our knowledge, this variant has not been reported in the literature or in a large population database (gnomAD), indicating this variant is rare. At this time, the clinical significance of this variant is uncertain due to the absence of conclusive functional and genetic evidence.